The following is an entry in ClinVar:

NM_017780.4(CHD7):c.520C>T (p.Pro174Ser)

Gene: CHD7 (chromodomain helicase DNA binding protein 7; plus strand). Cytogenetic location: 8q12.2.
Variant type: single nucleotide variant.
Coding change: c.520C>T on transcript NM_017780.4 (MANE Select); coding-DNA position 520, C replaced by T.
Protein change: p.Pro174Ser; replaces proline 174 with serine.
Molecular consequence: missense variant.
Genome position (GRCh38, 1-based): chr8:60,741,952, C>T. VCF-style: chr8-60741952-C-T. GRCh37 (hg19) VCF-style: chr8-61654511-C-T.
Other names: c.520C>T, p.Pro174Ser (NM_001316690.1); short protein forms P174S.
Identifiers: ClinVar variation 2036070 (VCV002036070.4), dbSNP rs2487265218, ClinGen allele CA371297776.

ClinVar aggregate classification (germline): Uncertain significance (1 of 4 stars; one submission).

Conditions:
CHARGE syndrome (CHARGE). Also called: Hittner Hirsch Kreh syndrome; CHARGE ASSOCIATION--COLOBOMA, HEART ANOMALY, CHOANAL ATRESIA, RETARDATION, GENITAL AND EAR ANOMALIES; Coloboma, heart anomaly, choanal atresia, retardation, genital and ear anomalies; CHARGE association; Hall-Hittner syndrome. Identifiers: Orphanet 138, MedGen C0265354, MONDO:0008965.

Allele frequency attached by ClinVar (database versions not stated): gnomAD exomes below 0.00001.
gnomAD v4.1: 1 of 1,613,668 alleles (0.000062%); highest among the groups gnomAD compares: South Asian, 0.0011%; no homozygotes.

Submission:

Labcorp Genetics (formerly Invitae), Labcorp
Classification: Uncertain significance for CHARGE syndrome. Last evaluated: 2023-06-06. Review status: criteria provided, single submitter. Criteria: Invitae Variant Classification Sherloc (09022015). Collection method: clinical testing. Allele origin: germline.
Comment: ClinVar contains an entry for this variant (Variation ID: 2036070). Advanced modeling of protein sequence and biophysical properties (such as structural, functional, and spatial information, amino acid conservation, physicochemical variation, residue mobility, and thermodynamic stability) performed at Invitae indicates that this missense variant is not expected to disrupt CHD7 protein function. In summary, the available evidence is currently insufficient to determine the role of this variant in disease. Therefore, it has been classified as a Variant of Uncertain Significance. This variant has not been reported in the literature in individuals affected with CHD7-related conditions. This sequence change replaces proline, which is neutral and non-polar, with serine, which is neutral and polar, at codon 174 of the CHD7 protein (p.Pro174Ser). This variant is not present in population databases (gnomAD no frequency).